The following is an entry in ClinVar:

ClinVar aggregate classification (germline): Benign/Likely benign. Review status: criteria provided, multiple submitters, no conflicts (2 of 4 stars). 2 submissions from 2 submitters: Benign (1); Likely benign (1). Last evaluated 2025-12-22.

Allele frequency attached by ClinVar (database versions not stated): ESP Exome Variant Server 0.00008; TOPMed 0.00010; 1000 Genomes Project 30x 0.00078; 1000 Genomes Project 0.00100; gnomAD 0.00246 and 0.00263.
gnomAD v4.1: 1,949 of 1,613,730 alleles (0.12%); highest among the groups gnomAD compares: Non-Finnish European, 0.024%; 26 homozygotes.

Submissions (2):

Labcorp Genetics (formerly Invitae), Labcorp
Classification: Benign. Last evaluated: 2025-12-22. Review status: criteria provided, single submitter. Criteria: Invitae Variant Classification Sherloc (09022015). Collection method: clinical testing. Allele origin: germline.

GeneDx
Classification: Likely benign. Last evaluated: 2017-10-30. Review status: criteria provided, single submitter. Criteria: GeneDx Variant Classification (06012015). Collection method: clinical testing. Allele origin: germline. Affected: yes.
Comment: This variant is considered likely benign or benign based on one or more of the following criteria: it is a conservative change, it occurs at a poorly conserved position in the protein, it is predicted to be benign by multiple in silico algorithms, and/or has population frequency not consistent with disease.

NM_001042545.2(LTBP4):c.1157-17C>G

Gene: LTBP4 (latent transforming growth factor beta binding protein 4; plus strand). Cytogenetic location: 19q13.2.
Variant type: single nucleotide variant.
Coding change: c.1157-17C>G on transcript NM_001042545.2 (MANE Select); 17 bases into the intron before coding-DNA position 1157, C replaced by G.
Molecular consequence: intron variant.
Genome position (GRCh38, 1-based): chr19:40,608,203, C>G. VCF-style: chr19-40608203-C-G. GRCh37 (hg19) VCF-style: chr19-41114109-C-G.
Other names: c.1247-17C>G (NM_003573.2); c.1358-17C>G (NM_001042544.1).
Identifiers: ClinVar variation 507701 (VCV000507701.9), dbSNP rs181126225, ClinGen allele CA9448206.